The following is an entry in ClinVar:

ClinVar aggregate classification (germline): Uncertain significance. Review status: criteria provided, multiple submitters, no conflicts (2 of 4 stars). 3 submissions from 3 submitters: Uncertain significance (3). Last evaluated 2024-09-08.

Conditions:
Retinal dystrophy. Also called: Inherited retinal dystrophy. Identifiers: Orphanet 71862, MedGen C0854723, MeSH D058499, MONDO:0019118, HP:0000556.
Inborn genetic diseases. Identifiers: MedGen C0950123, MeSH D030342.

Allele frequency attached by ClinVar (database versions not stated): gnomAD exomes below 0.00001 and 0.00001; TOPMed below 0.00001; gnomAD 0.00001.
gnomAD v4.1: 13 of 1,614,030 alleles (0.00081%); highest among the groups gnomAD compares: East Asian, 0.0045%; no homozygotes.

Submissions (3):

Ambry Genetics
Classification: Uncertain significance for Inborn genetic diseases. Last evaluated: 2024-09-08. Review status: criteria provided, single submitter. Criteria: Ambry Variant Classification Scheme 2023. Collection method: clinical testing. Allele origin: germline.

Dept Of Ophthalmology, Nagoya University
Classification: Uncertain significance for Retinal dystrophy. Last evaluated: 2023-10-01. Review status: criteria provided, single submitter. Criteria: Submitter's publication. Collection method: research. Allele origin: germline. Affected: yes.

Labcorp Genetics (formerly Invitae), Labcorp
Classification: Uncertain significance. Last evaluated: 2020-03-11. Review status: criteria provided, single submitter. Criteria: Invitae Variant Classification Sherloc (09022015). Collection method: clinical testing. Allele origin: germline.
Comment: This variant has not been reported in the literature in individuals with CYP4V2-related conditions. In summary, the available evidence is currently insufficient to determine the role of this variant in disease. Therefore, it has been classified as a Variant of Uncertain Significance. Algorithms developed to predict the effect of sequence changes on RNA splicing suggest that this variant may create or strengthen a splice site, but this prediction has not been confirmed by published transcriptional studies. Algorithms developed to predict the effect of missense changes on protein structure and function are either unavailable or do not agree on the potential impact of this missense change (SIFT: "Deleterious"; PolyPhen-2: "Probably Damaging"; Align-GVGD: "Class C0"). This variant is not present in population databases (ExAC no frequency). This sequence change replaces arginine with glutamine at codon 272 of the CYP4V2 protein (p.Arg272Gln). The arginine residue is highly conserved and there is a small physicochemical difference between arginine and glutamine.

NM_207352.4(CYP4V2):c.815G>A (p.Arg272Gln)

Gene: CYP4V2 (cytochrome P450 family 4 subfamily V member 2; plus strand). Cytogenetic location: 4q35.2.
Variant type: single nucleotide variant.
Coding change: c.815G>A on transcript NM_207352.4 (MANE Select); coding-DNA position 815, G replaced by A.
Protein change: p.Arg272Gln; replaces arginine 272 with glutamine.
Molecular consequence: missense variant.
Genome position (GRCh38, 1-based): chr4:186,201,170, G>A. VCF-style: chr4-186201170-G-A. GRCh37 (hg19) VCF-style: chr4-187122324-G-A.
Other names: c.815G>A (NM_207352.3); short protein forms R272Q.
Identifiers: ClinVar variation 1010185 (VCV001010185.10), dbSNP rs1228435590, ClinGen allele CA358948195.